The following is an entry in ClinVar:

NM_000094.4(COL7A1):c.5860T>C (p.Ser1954Pro)

Gene: COL7A1 (collagen type VII alpha 1 chain; minus strand). Cytogenetic location: 3p21.31.
Variant type: single nucleotide variant.
Coding change: c.5860T>C on transcript NM_000094.4 (MANE Select); coding-DNA position 5860, T replaced by C.
Protein change: p.Ser1954Pro; replaces serine 1954 with proline.
Molecular consequence: missense variant.
Genome position (GRCh38, 1-based): chr3:48,575,745, A>G on the plus strand (T>C on the coding strand, the complement: COL7A1 is on the minus strand). VCF-style: chr3-48575745-A-G. GRCh37 (hg19) VCF-style: chr3-48613178-A-G.
Other names: short protein forms S1954P.
Identifiers: ClinVar variation 1715212 (VCV001715212.3), dbSNP rs2530980040, ClinGen allele CA352665534.

ClinVar aggregate classification (germline): Uncertain significance (1 of 4 stars; one submission).

Submission:

Labcorp Genetics (formerly Invitae), Labcorp
Classification: Uncertain significance. Last evaluated: 2022-08-05. Review status: criteria provided, single submitter. Criteria: Invitae Variant Classification Sherloc (09022015). Collection method: clinical testing. Allele origin: germline.
Comment: This sequence change replaces serine, which is neutral and polar, with proline, which is neutral and non-polar, at codon 1954 of the COL7A1 protein (p.Ser1954Pro). This variant is not present in population databases (gnomAD no frequency). This variant has not been reported in the literature in individuals affected with COL7A1-related conditions. Algorithms developed to predict the effect of missense changes on protein structure and function are either unavailable or do not agree on the potential impact of this missense change (SIFT: "Tolerated"; PolyPhen-2: "Not Available"; Align-GVGD: "Class C0"). In summary, the available evidence is currently insufficient to determine the role of this variant in disease. Therefore, it has been classified as a Variant of Uncertain Significance.